The following is an entry in ClinVar:

ClinVar aggregate classification (germline): Likely benign (1 of 4 stars; one submission).

gnomAD v4.1: 7 of 1,536,382 alleles (0.00046%); highest among the groups gnomAD compares: African/African-American, 0.0096%; no homozygotes.

Submission:

CeGaT Center for Human Genetics Tuebingen
Classification: Likely benign. Last evaluated: 2022-06-01. Review status: criteria provided, single submitter. Criteria: CeGaT Center For Human Genetics Tuebingen Variant Classification Criteria Version 2. Collection method: clinical testing. Allele origin: germline. Affected: yes. Observed: 1 variant allele.
Comment: ARHGAP28: BP4, BP7

NM_001366230.1(ARHGAP28):c.177C>G (p.Leu59=)

Gene: ARHGAP28 (Rho GTPase activating protein 28; plus strand). Cytogenetic location: 18p11.31.
Variant type: single nucleotide variant.
Coding change: c.177C>G on transcript NM_001366230.1 (MANE Select); coding-DNA position 177, C replaced by G.
Protein change: p.Leu59=; no amino-acid change (leucine 59 retained).
Molecular consequence: synonymous variant.
Genome position (GRCh38, 1-based): chr18:6,824,816, C>G. VCF-style: chr18-6824816-C-G. GRCh37 (hg19) VCF-style: chr18-6824815-C-G.
Other names: c.177C>G, p.Leu59= (NM_001366231.1); c.21C>G, p.Leu7= (NM_001410873.1).
Identifiers: ClinVar variation 2648540 (VCV002648540.24), dbSNP rs766694829, ClinGen allele CA502443604.